The following is an entry in ClinVar:

NC_000023.10:g.(?_77227139)_(77275915_?)dup

Gene: ATP7A (ATPase copper transporting alpha; plus strand). Cytogenetic location: Xq21.1.
Variant type: Duplication.
Identifiers: ClinVar variation 3244783 (VCV003244783.1).

ClinVar aggregate classification (germline): Uncertain significance (1 of 4 stars; one submission).

Conditions:
Menkes kinky-hair syndrome (MNK). Also called: Classic Menkes Disease; Copper transport disease; Menkes Disease. Identifiers: Orphanet 565, MedGen C0022716, MONDO:0010651, OMIM 309400.
X-linked distal spinal muscular atrophy type 3. Also called: ATP7A-Related Distal Motor Neuropathy; SPINAL MUSCULAR ATROPHY, DISTAL, X-LINKED RECESSIVE; NEURONOPATHY, DISTAL HEREDITARY MOTOR, X-LINKED; NEUROPATHY, DISTAL HEREDITARY MOTOR, X-LINKED. Identifiers: Orphanet 139557, MedGen C1845359, MONDO:0010338, OMIM 300489.
Cutis laxa, X-linked (OHS). Also called: EDS IX; Occipital horn syndrome. Identifiers: Orphanet 198, MedGen C0268353, MONDO:0010572, OMIM 304150.

Submission:

Labcorp Genetics (formerly Invitae), Labcorp
Classification: Uncertain significance for X-linked distal spinal muscular atrophy type 3; Cutis laxa, X-linked; Menkes kinky-hair syndrome. Last evaluated: 2022-12-09. Review status: criteria provided, single submitter. Criteria: Invitae Variant Classification Sherloc (09022015). Collection method: clinical testing. Allele origin: unknown.
Comment: Experimental studies and prediction algorithms are not available or were not evaluated, and the functional significance of this variant is currently unknown. This variant has not been reported in the literature in individuals affected with ATP7A-related conditions. This variant results in a copy number gain of the genomic region encompassing exon(s) 2-13 of the ATP7A gene. This region includes the initiator codon of the gene. This copy number gain extends beyond the assayed region for this gene and therefore may encompass additional genes. As the precise location of this event is unknown, it may be in tandem or it may be located elsewhere in the genome. In summary, the available evidence is currently insufficient to determine the role of this variant in disease. Therefore, it has been classified as a Variant of Uncertain Significance.